The following is an entry in ClinVar:

ClinVar aggregate classification (germline): Uncertain significance. Review status: criteria provided, multiple submitters, no conflicts (2 of 4 stars). 2 submissions from 2 submitters: Uncertain significance (2). Last evaluated 2024-03-04.

Conditions:
Supravalvar aortic stenosis (SVAS). Also called: Supravalvar aortic stenosis, Eisenberg type. Identifiers: Orphanet 3193, MedGen C0003499, MONDO:0008504, OMIM 185500, HP:0004381.

Allele frequency attached by ClinVar (database versions not stated): ExAC 0.00001; gnomAD exomes 0.00001; gnomAD 0.00002; TOPMed 0.00002.

Submissions (2):

Labcorp Genetics (formerly Invitae), Labcorp
Classification: Uncertain significance for Supravalvar aortic stenosis. Last evaluated: 2024-03-04. Review status: criteria provided, single submitter. Criteria: Invitae Variant Classification Sherloc (09022015). Collection method: clinical testing. Allele origin: germline.
Comment: This sequence change replaces alanine, which is neutral and non-polar, with threonine, which is neutral and polar, at codon 99 of the ELN protein (p.Ala99Thr). This variant is present in population databases (rs782660886, gnomAD 0.006%). This variant has not been reported in the literature in individuals affected with ELN-related conditions. ClinVar contains an entry for this variant (Variation ID: 1312158). Advanced modeling of protein sequence and biophysical properties (such as structural, functional, and spatial information, amino acid conservation, physicochemical variation, residue mobility, and thermodynamic stability) performed at Invitae indicates that this missense variant is not expected to disrupt ELN protein function with a negative predictive value of 80%. In summary, the available evidence is currently insufficient to determine the role of this variant in disease. Therefore, it has been classified as a Variant of Uncertain Significance.

GeneDx
Classification: Uncertain significance. Last evaluated: 2019-09-11. Review status: criteria provided, single submitter. Criteria: GeneDx Variant Classification Process June 2021. Collection method: clinical testing. Allele origin: germline. Affected: yes.
Comment: Has not been previously published as pathogenic or benign to our knowledge; Not observed at a significant frequency in large population cohorts (Lek et al., 2016); In silico analysis, which includes protein predictors and evolutionary conservation, supports a deleterious effect

NM_000501.4(ELN):c.295G>A (p.Ala99Thr)

Gene: ELN (elastin; plus strand). Cytogenetic location: 7q11.23.
Variant type: single nucleotide variant.
Coding change: c.295G>A on transcript NM_000501.4 (MANE Select); coding-DNA position 295, G replaced by A.
Protein change: p.Ala99Thr; replaces alanine 99 with threonine.
Molecular consequence: missense variant.
Genome position (GRCh38, 1-based): chr7:74,042,676, G>A. VCF-style: chr7-74042676-G-A. GRCh37 (hg19) VCF-style: chr7-73457006-G-A.
Other names: c.265G>A, p.Ala89Thr (NM_001081752.3, NM_001278914.2, NM_001278917.2 and 1 more transcripts); c.295G>A, p.Ala99Thr (NM_001081753.3, NM_001081754.3, NM_001081755.3 and 4 more transcripts); c.259G>A, p.Ala87Thr (NM_001278913.2); short protein forms A87T, A89T, A99T.
Identifiers: ClinVar variation 1312158 (VCV001312158.5), dbSNP rs782660886, ClinGen allele CA4292419.